The following is an entry in ClinVar:

ClinVar aggregate classification (germline): Likely benign. Review status: criteria provided, multiple submitters, no conflicts (2 of 4 stars). 3 submissions from 3 submitters: Likely benign (3). Last evaluated 2025-04-11.

Conditions:
Long QT syndrome (LQTS). Identifiers: MedGen C0023976, MeSH D008133, MONDO:0002442. Disease mechanism: loss of function. Inheritance: Various modes of inheritance.
Cardiovascular phenotype. Identifiers: MedGen CN230736.

Allele frequency attached by ClinVar (database versions not stated): ExAC 0.00001; gnomAD exomes 0.00001.
gnomAD v4.1: 53 of 1,597,878 alleles (0.0033%); highest among the groups gnomAD compares: Non-Finnish European, 0.0044%; no homozygotes.

Submissions (3):

Labcorp Genetics (formerly Invitae), Labcorp
Classification: Likely benign for Long QT syndrome. Last evaluated: 2025-04-11. Review status: criteria provided, single submitter. Criteria: Invitae Variant Classification Sherloc (09022015). Collection method: clinical testing. Allele origin: germline.

Ambry Genetics
Classification: Likely benign for Cardiovascular phenotype. Last evaluated: 2019-06-04. Review status: criteria provided, single submitter. Criteria: Ambry Variant Classification Scheme 2023. Collection method: clinical testing. Allele origin: germline.

GeneDx
Classification: Likely benign. Last evaluated: 2016-11-07. Review status: criteria provided, single submitter. Criteria: GeneDx Variant Classification (06012015). Collection method: clinical testing. Allele origin: germline. Affected: yes.
Comment: This variant is considered likely benign or benign based on one or more of the following criteria: it is a conservative change, it occurs at a poorly conserved position in the protein, it is predicted to be benign by multiple in silico algorithms, and/or has population frequency not consistent with disease.

NM_000218.3(KCNQ1):c.297G>C (p.Pro99=)

Gene: KCNQ1 (potassium voltage-gated channel subfamily Q member 1; plus strand). Cytogenetic location: 11p15.5.
Variant type: single nucleotide variant.
Coding change: c.297G>C on transcript NM_000218.3 (MANE Select); coding-DNA position 297, G replaced by C.
Protein change: p.Pro99=; no amino-acid change (proline 99 retained).
Molecular consequence: synonymous variant.
Genome position (GRCh38, 1-based): chr11:2,445,395, G>C. VCF-style: chr11-2445395-G-C. GRCh37 (hg19) VCF-style: chr11-2466625-G-C.
Identifiers: ClinVar variation 390646 (VCV000390646.12), dbSNP rs778702162, ClinGen allele CA034943.